The following is an entry in ClinVar:

ClinVar aggregate classification (germline): Likely benign (1 of 4 stars; one submission).

gnomAD v4.1: 48 of 1,204,244 alleles (0.004%); highest among the groups gnomAD compares: Admixed American, 0.0066%; no homozygotes.

Submissions (2):

CeGaT Center for Human Genetics Tuebingen
Classification: Likely benign. Last evaluated: 2026-01-01. Review status: criteria provided, single submitter. Criteria: CeGaT Center For Human Genetics Tuebingen Variant Classification Criteria Version 2. Collection method: clinical testing. Allele origin: germline. Affected: yes. Observed: 1 variant allele.
Comment: SLC9A7: BS2

Dr. Peter K. Rogan Lab, Western University
No classification provided (evidence only). Condition: Uterine corpus endometrial carcinoma. Review status: no classification provided. Collection method: in vitro. Allele origin: not applicable. Functional consequence: retained intron. Not counted in ClinVar's aggregate classification.

NM_001257291.2(SLC9A7):c.982C>G (p.Leu328Val)

Gene: SLC9A7 (solute carrier family 9 member A7; minus strand). Cytogenetic location: Xp11.3.
Variant type: single nucleotide variant.
Coding change: c.982C>G on transcript NM_001257291.2 (MANE Select); coding-DNA position 982, C replaced by G.
Protein change: p.Leu328Val; replaces leucine 328 with valine.
Molecular consequence: missense variant.
Genome position (GRCh38, 1-based): chrX:46,662,075, G>C on the plus strand (C>G on the coding strand, the complement: SLC9A7 is on the minus strand). VCF-style: chrX-46662075-G-C. GRCh37 (hg19) VCF-style: chrX-46521510-G-C.
Other names: NC_000023.10:g.46521510G>C; c.982C>G, p.Leu328Val (NM_032591.3); short protein forms L328V.
Identifiers: ClinVar variation 4490062 (VCV004490062.5).